The following is an entry in ClinVar:

ClinVar aggregate classification (germline): Uncertain significance. Review status: criteria provided, multiple submitters, no conflicts (2 of 4 stars). 3 submissions from 3 submitters: Uncertain significance (3). Last evaluated 2024-03-14.

Conditions:
Dilated cardiomyopathy 1D. Identifiers: Orphanet 154, Orphanet 54260, MedGen C1832243, MONDO:0011095, OMIM 601494.
Cardiomyopathy, familial restrictive, 3. Identifiers: Orphanet 75249, MedGen C2676271, MONDO:0012900, OMIM 612422.
Hypertrophic cardiomyopathy 2. Also called: TNNT2-Related Familial Hypertrophic Cardiomyopathy. Identifiers: MedGen C1861864, MONDO:0007266, OMIM 115195.
Primary dilated cardiomyopathy (DCM). Also called: Dilated Cardiomyopathy. Identifiers: Orphanet 217604, MedGen C0007193, MeSH D002311, MONDO:0005021, HP:0001644. Inheritance: Various modes of inheritance.

Allele frequency attached by ClinVar (database versions not stated): TOPMed 0.00002.
gnomAD v4.1: 2 of 1,612,156 alleles (0.00012%); highest among the groups gnomAD compares: African/African-American, 0.0027%; no homozygotes.

Submissions (3):

All of Us Research Program, National Institutes of Health
Classification: Uncertain significance for Primary dilated cardiomyopathy. Last evaluated: 2024-03-14. Review status: criteria provided, single submitter. Criteria: ACMG Guidelines, 2015. Collection method: clinical testing. Allele origin: germline. Inheritance: Autosomal dominant inheritance. Observed: 1 variant allele, 1 heterozygote.
Comment: This study involves interpretation of variants in research participants for the purpose of population health screening. Participant phenotype was not available at the time of variant classification. Additional details can be found in publication PMID: 35346344, PMCID: PMC8962531

Labcorp Genetics (formerly Invitae), Labcorp
Classification: Uncertain significance for Cardiomyopathy, familial restrictive, 3; Hypertrophic cardiomyopathy 2; Dilated cardiomyopathy 1D. Last evaluated: 2023-03-24. Review status: criteria provided, single submitter. Criteria: Invitae Variant Classification Sherloc (09022015). Collection method: clinical testing. Allele origin: germline.
Comment: This sequence change replaces alanine, which is neutral and non-polar, with threonine, which is neutral and polar, at codon 153 of the TNNT2 protein (p.Ala153Thr). This variant is not present in population databases (gnomAD no frequency). This missense change has been observed in individual(s) with hypertrophic cardiomyopathy (PMID: 25132132). ClinVar contains an entry for this variant (Variation ID: 179660). An algorithm developed to predict the effect of missense changes on protein structure and function (PolyPhen-2) suggests that this variant is likely to be disruptive. In summary, the available evidence is currently insufficient to determine the role of this variant in disease. Therefore, it has been classified as a Variant of Uncertain Significance.

Laboratory for Molecular Medicine, Mass General Brigham Personalized Medicine
Classification: Uncertain significance. Last evaluated: 2014-03-13. Review status: criteria provided, single submitter. Criteria: LMM Criteria. Collection method: clinical testing. Allele origin: germline. Observed: 1 variant allele.
Comment: The Ala153Thr variant in TNNT2 has not been previously reported in individuals w ith cardiomyopathy. Data from large population studies are insufficient to asses s the frequency of this variant. Alanine (Ala) at position 153 is conserved in m ammals though not in evolutionarily distant species. The change to threonine (Th r) was predicted to be pathogenic using a computational tool clinically validate d by our laboratory. This tool's pathogenic prediction is estimated to be correc t 94% of the time (Jordan 2011). In summary, additional information is needed to fully assess the clinical significance of this variant.

Literature cited by the submitters: PubMed 25132132 (cited by Labcorp Genetics (formerly Invitae), Labcorp).

NM_001276345.2(TNNT2):c.487G>A (p.Ala163Thr)

Gene: TNNT2 (troponin T2, cardiac type; minus strand). Cytogenetic location: 1q32.1.
Variant type: single nucleotide variant.
Coding change: c.487G>A on transcript NM_001276345.2 (MANE Select); coding-DNA position 487, G replaced by A.
Protein change: p.Ala163Thr; replaces alanine 163 with threonine.
Molecular consequence: missense variant.
Genome position (GRCh38, 1-based): chr1:201,364,300, C>T on the plus strand (G>A on the coding strand, the complement: TNNT2 is on the minus strand). VCF-style: chr1-201364300-C-T. GRCh37 (hg19) VCF-style: chr1-201333428-C-T.
Other names: c.487G>A, p.Ala163Thr (NM_000364.4); c.457G>A, p.Ala153Thr (NM_001001430.3, NM_001001431.3, NM_001276347.2); c.442G>A, p.Ala148Thr (NM_001001432.3); c.367G>A, p.Ala123Thr (NM_001276346.2); short protein forms A153T, A163T, A123T, A148T.
Identifiers: ClinVar variation 179660 (VCV000179660.9), dbSNP rs727505030, ClinGen allele CA004591.